The following is an entry in ClinVar:

ClinVar aggregate classification (germline): Conflicting classifications of pathogenicity. Review status: criteria provided, conflicting classifications (1 of 4 stars). 3 submissions from 3 submitters: Uncertain significance (2); Likely benign (1). Last evaluated 2024-03-26.

Conditions:
Inborn genetic diseases. Identifiers: MedGen C0950123, MeSH D030342.
Intellectual disability, autosomal dominant 9 (NESCAVS). Also called: KIF1A-Related Neurodevelopmental Disorder; NESCAV SYNDROME. Identifiers: Orphanet 662367, MedGen C5393830, MONDO:0013656, OMIM 614255.

Submissions (3):

Genomic Medicine Center of Excellence, King Faisal Specialist Hospital and Research Centre
Classification: Uncertain significance for Intellectual disability, autosomal dominant 9. Last evaluated: 2024-03-26. Review status: criteria provided, single submitter. Criteria: ACMG Guidelines, 2015. Collection method: clinical testing. Allele origin: germline.

GeneDx
Classification: Uncertain significance. Last evaluated: 2023-09-22. Review status: criteria provided, single submitter. Criteria: GeneDx Variant Classification Process June 2021. Collection method: clinical testing. Allele origin: germline. Affected: yes.
Comment: Reported using an alternate transcript of the gene; In-frame deletion of 1 amino acid in a non-repeat region; In silico analysis supports that this variant does not alter protein structure/function; Has not been previously published as pathogenic or benign to our knowledge

Ambry Genetics
Classification: Likely benign for Inborn genetic diseases. Last evaluated: 2020-10-22. Review status: criteria provided, single submitter. Criteria: Ambry Variant Classification Scheme 2023. Collection method: clinical testing. Allele origin: germline.

NM_001244008.2(KIF1A):c.2754_2756del (p.Asp918del)

Gene: KIF1A (kinesin family member 1A; minus strand). Cytogenetic location: 2q37.3.
Variant type: Deletion.
Coding change: c.2754_2756del on transcript NM_001244008.2 (MANE Select); coding-DNA positions 2754 to 2756, 3 bases deleted (TGA; older notation c.2754_2756delTGA).
Protein change: p.Asp918del; deletes aspartic acid 918.
Molecular consequence: inframe deletion. On other transcripts: intron variant (18), inframe indel (1).
Genome position (GRCh38, 1-based): chr2:240,757,421-240,757,423, TCA deleted on the plus strand (TGA on the coding strand, the reverse complement: KIF1A is on the minus strand); deleting any 3 consecutive bases within chr2:240,757,421-240,757,425 gives the same sequence; the c. name uses the placement nearest the transcript's 3' end. VCF-style (leftmost placement, unchanged base first): chr2-240757420-CTCA-C. GRCh37 (hg19) VCF-style: chr2-241696837-CTCA-C.
Other names: c.2829_2831del, p.Asp943del (NM_001379631.1); c.2703_2705del, p.Asp901del (NM_001379632.1); c.2727_2729del, p.Asp909del (NM_001379633.1, NM_001379642.1, NM_001379645.1); c.2555+937_2555+939del (NM_001379653.1, NM_001379650.1, NM_001379640.1 and 6 more transcripts); c.2657+937_2657+939del (NM_001379635.1, NM_001330290.2, NM_001379646.1 and 1 more transcripts); c.2630+937_2630+939del (NM_001379637.1, NM_001379648.1); c.2582+937_2582+939del (NM_001320705.2, NM_001379638.1, NM_001330289.2); c.2754_2756delTGA (NM_001244008.1); short protein forms D918del, D909del, D943del, D901del.
Identifiers: ClinVar variation 1795587 (VCV001795587.4), dbSNP rs1365926067, ClinGen allele CA432234521.